The following is an entry in ClinVar:

ClinVar aggregate classification (germline): Uncertain significance (1 of 4 stars; one submission).

Conditions:
Congenital myopathy with internal nuclei and atypical cores. Also called: Myopathy, centronuclear, 4. Identifiers: Orphanet 319160, MedGen C4707232, MONDO:0013890, OMIM 614807.

Allele frequency attached by ClinVar (database versions not stated): ExAC 0.00001; gnomAD 0.00001; gnomAD exomes 0.00001; TOPMed 0.00001.
gnomAD v4.1: 13 of 1,609,442 alleles (0.00081%); highest among the groups gnomAD compares: Non-Finnish European, 0.001%; no homozygotes.

Submission:

Labcorp Genetics (formerly Invitae), Labcorp
Classification: Uncertain significance for Congenital myopathy with internal nuclei and atypical cores. Last evaluated: 2023-12-18. Review status: criteria provided, single submitter. Criteria: Invitae Variant Classification Sherloc (09022015). Collection method: clinical testing. Allele origin: germline.
Comment: This sequence change falls in intron 9 of the CCDC78 gene. It does not directly change the encoded amino acid sequence of the CCDC78 protein. It affects a nucleotide within the consensus splice site. This variant is present in population databases (rs746174565, gnomAD 0.002%). This variant has not been reported in the literature in individuals affected with CCDC78-related conditions. Variants that disrupt the consensus splice site are a relatively common cause of aberrant splicing (PMID: 17576681, 9536098). Algorithms developed to predict the effect of sequence changes on RNA splicing suggest that this variant is not likely to affect RNA splicing. In summary, the available evidence is currently insufficient to determine the role of this variant in disease. Therefore, it has been classified as a Variant of Uncertain Significance.

Literature cited by the submitters: PubMed 17576681; PubMed 9536098.

NM_001378030.1(CCDC78):c.953+4G>A

Gene: CCDC78 (coiled-coil domain containing 78; minus strand). Cytogenetic location: 16p13.3.
Variant type: single nucleotide variant.
Coding change: c.953+4G>A on transcript NM_001378030.1 (MANE Select); 4 bases into the intron after coding-DNA position 953, G replaced by A.
Molecular consequence: intron variant.
Genome position (GRCh38, 1-based): chr16:724,318, C>T on the plus strand (G>A on the coding strand, the complement: CCDC78 is on the minus strand). VCF-style: chr16-724318-C-T. GRCh37 (hg19) VCF-style: chr16-774318-C-T.
Other names: c.386+4G>A (NM_001378033.1); c.953+4G>A (NM_001378031.1, NM_001031737.3).
Identifiers: ClinVar variation 2747715 (VCV002747715.3), dbSNP rs746174565, ClinGen allele CA7789341.